The following is an entry in ClinVar:

ClinVar aggregate classification (germline): Uncertain significance (1 of 4 stars; one submission).

Conditions:
Retinoblastoma (RB1). Also called: RETINOBLASTOMA, SOMATIC. Identifiers: Orphanet 790, MedGen C0035335, MeSH D012175, MONDO:0008380, OMIM 180200, HP:0009919. Disease mechanism: loss of function. Inheritance: Both sporadic and heritable forms are tested..

Submission:

Labcorp Genetics (formerly Invitae), Labcorp
Classification: Uncertain significance for Retinoblastoma. Last evaluated: 2025-08-17. Review status: criteria provided, single submitter. Criteria: Invitae Variant Classification Sherloc (09022015). Collection method: clinical testing. Allele origin: germline.
Comment: This sequence change replaces glycine, which is neutral and non-polar, with valine, which is neutral and non-polar, at codon 836 of the RB1 protein (p.Gly836Val). This variant is not present in population databases (gnomAD no frequency). This variant has not been reported in the literature in individuals affected with RB1-related conditions. Invitae Evidence Modeling of protein sequence and biophysical properties (such as structural, functional, and spatial information, amino acid conservation, physicochemical variation, residue mobility, and thermodynamic stability) indicates that this missense variant is expected to disrupt RB1 protein function with a positive predictive value of 80%. RNA analysis performed to evaluate the impact of this missense change on mRNA splicing indicates it does not significantly alter splicing (internal data). In summary, the available evidence is currently insufficient to determine the role of this variant in disease. Therefore, it has been classified as a Variant of Uncertain Significance.

NM_000321.3(RB1):c.2507G>T (p.Gly836Val)

Gene: RB1 (RB transcriptional corepressor 1; plus strand). Cytogenetic location: 13q14.2.
Variant type: single nucleotide variant.
Coding change: c.2507G>T on transcript NM_000321.3 (MANE Select); coding-DNA position 2507, G replaced by T.
Protein change: p.Gly836Val; replaces glycine 836 with valine.
Molecular consequence: missense variant.
Genome position (GRCh38, 1-based): chr13:48,473,377, G>T. VCF-style: chr13-48473377-G-T. GRCh37 (hg19) VCF-style: chr13-49047513-G-T.
Other names: c.2507G>T, p.Gly836Val (NM_001407165.1); short protein forms G836V.
Identifiers: ClinVar variation 4740779 (VCV004740779.1).